The following is an entry in ClinVar:

NM_004482.4(GALNT3):c.1199A>C (p.Gln400Pro)

Gene: GALNT3 (polypeptide N-acetylgalactosaminyltransferase 3; minus strand). Cytogenetic location: 2q24.3.
Variant type: single nucleotide variant.
Coding change: c.1199A>C on transcript NM_004482.4 (MANE Select); coding-DNA position 1199, A replaced by C.
Protein change: p.Gln400Pro; replaces glutamine 400 with proline.
Molecular consequence: missense variant.
Genome position (GRCh38, 1-based): chr2:165,757,240, T>G on the plus strand (A>C on the coding strand, the complement: GALNT3 is on the minus strand). VCF-style: chr2-165757240-T-G. GRCh37 (hg19) VCF-style: chr2-166613750-T-G.
Other names: short protein forms Q400P.
Identifiers: ClinVar variation 2099675 (VCV002099675.4), dbSNP rs1688462762, ClinGen allele CA349035386.
Genomic context (GRCh38, chr2:165,757,240, plus strand): 5'-TTGCTGCGAAAAACATGTCCAACAACAGAGCAAGGCATAATCTCCAACTGCCCACCACAT[T>G]GCCATACCTGATAATTAATGATATTTGTTTAAATTTACAGTATTTTAGAAAAATCAAAGT-3'
Protein context (NP_004473.2, residues 390-410): ENIEMSFRVW[Gln400Pro]CGGQLEIMPC

ClinVar aggregate classification (germline): Uncertain significance (1 of 4 stars; one submission).

Allele frequency attached by ClinVar (database versions not stated): gnomAD 0.00001.
gnomAD v4.1: 1 of 1,613,496 alleles (0.000062%); highest among the groups gnomAD compares: African/African-American, 0.0013%; no homozygotes.

Submission:

Labcorp Genetics (formerly Invitae), Labcorp
Classification: Uncertain significance. Last evaluated: 2022-03-13. Review status: criteria provided, single submitter. Criteria: Invitae Variant Classification Sherloc (09022015). Collection method: clinical testing. Allele origin: germline.
Comment: In summary, the available evidence is currently insufficient to determine the role of this variant in disease. Therefore, it has been classified as a Variant of Uncertain Significance. Algorithms developed to predict the effect of missense changes on protein structure and function are either unavailable or do not agree on the potential impact of this missense change (SIFT: "Tolerated"; PolyPhen-2: "Probably Damaging"; Align-GVGD: "Class C0"). This variant has not been reported in the literature in individuals affected with GALNT3-related conditions. This variant is not present in population databases (gnomAD no frequency). This sequence change replaces glutamine, which is neutral and polar, with proline, which is neutral and non-polar, at codon 400 of the GALNT3 protein (p.Gln400Pro).